The following is an entry in ClinVar:

ClinVar aggregate classification (germline): Conflicting classifications of pathogenicity. Review status: criteria provided, conflicting classifications (1 of 4 stars). 12 submissions from 12 submitters: Uncertain significance (1); Benign (3); Likely benign (8). Last evaluated 2026-01-05.

Conditions:
TSC2-related disorder. Also called: TSC2-Related Disorders; TSC2-related condition.
Hereditary cancer-predisposing syndrome. Also called: Tumor predisposition; Hereditary Cancer Syndrome; Neoplastic Syndromes, Hereditary; Hereditary neoplastic syndrome. Identifiers: Orphanet 140162, MedGen C0027672, MeSH D009386, MONDO:0015356.
Tuberous sclerosis syndrome (TSC). Also called: Tuberous sclerosis; Tuberous Sclerosis Complex. Identifiers: Orphanet 805, MedGen C0041341, MONDO:0001734.
Tuberous sclerosis 2 (TSC2). Identifiers: Orphanet 805, MedGen C1860707, MONDO:0013199, OMIM 613254.

Allele frequency attached by ClinVar (database versions not stated): gnomAD 0.00002 and 0.00003; TOPMed 0.00002; gnomAD exomes 0.00003 and 0.00004; ExAC 0.00004; 1000 Genomes Project 30x 0.00016; 1000 Genomes Project 0.00020.
gnomAD v4.1: 69 of 1,612,824 alleles (0.0043%); highest among the groups gnomAD compares: Middle Eastern, 0.05%; no homozygotes.

Submissions (12):

Labcorp Genetics (formerly Invitae), Labcorp
Classification: Benign for Tuberous sclerosis 2. Last evaluated: 2026-01-05. Review status: criteria provided, single submitter. Criteria: Invitae Variant Classification Sherloc (09022015). Collection method: clinical testing. Allele origin: germline.

Myriad Genetics, Inc.
Classification: Benign for Tuberous sclerosis 2. Last evaluated: 2025-05-30. Review status: criteria provided, single submitter. Criteria: Myriad Autosomal Dominant, Autosomal Recessive and X-Linked Classification Criteria (2023). Collection method: clinical testing. Allele origin: unknown.
Comment: This variant is considered benign. This variant is a silent/synonymous amino acid change and it is not expected to impact splicing.

PreventionGenetics, part of Exact Sciences
Classification: Likely benign for TSC2-related condition. Last evaluated: 2025-04-15. Review status: criteria provided, single submitter. Criteria: ACMG Guidelines, 2015. Collection method: clinical testing. Allele origin: germline.
Comment: This variant is classified as likely benign based on ACMG/AMP sequence variant interpretation guidelines (Richards et al. 2015 PMID: 25741868, with internal and published modifications).

Blueprint Genetics
Classification: Likely benign. Last evaluated: 2024-11-21. Review status: criteria provided, single submitter. Criteria: ACMG Guidelines, 2015. Collection method: clinical testing. Allele origin: germline.

Quest Diagnostics Nichols Institute San Juan Capistrano
Classification: Benign. Last evaluated: 2022-11-04. Review status: criteria provided, single submitter. Criteria: Quest Diagnostics criteria. Collection method: clinical testing. Allele origin: unknown.
Comment: The frequency of this variant in the general population is higher than would generally be expected for pathogenic variants in this gene. Computational tools yielded predictions that this variant is unlikely to have an effect on normal RNA splicing. This nucleotide position exhibits low evolutionary conservation.

Color Diagnostics, LLC DBA Color Health
Classification: Likely benign for Tuberous sclerosis syndrome. Last evaluated: 2022-10-03. Review status: criteria provided, single submitter. Criteria: ACMG Guidelines, 2015. Collection method: clinical testing. Allele origin: germline.

Genome-Nilou Lab
Classification: Likely benign for Tuberous sclerosis 2. Last evaluated: 2021-11-07. Review status: criteria provided, single submitter. Criteria: ACMG Guidelines, 2015. Collection method: clinical testing. Allele origin: germline. Affected: no.

CeGaT Center for Human Genetics Tuebingen
Classification: Likely benign. Last evaluated: 2021-10-01. Review status: criteria provided, single submitter. Criteria: CeGaT Center For Human Genetics Tuebingen Variant Classification Criteria Version 2. Collection method: clinical testing. Allele origin: germline. Affected: yes. Observed: 1 variant allele.

Sema4
Classification: Likely benign for Hereditary cancer-predisposing syndrome. Last evaluated: 2020-10-16. Review status: criteria provided, single submitter. Criteria: Sema4 Curation Guidelines. Collection method: curation. Allele origin: germline.

GeneDx
Classification: Likely benign. Last evaluated: 2018-12-30. Review status: criteria provided, single submitter. Criteria: GeneDx Variant Classification Process June 2021. Collection method: clinical testing. Allele origin: germline. Affected: yes.

Ambry Genetics
Classification: Likely benign for Hereditary cancer-predisposing syndrome. Last evaluated: 2017-07-03. Review status: criteria provided, single submitter. Criteria: Ambry Variant Classification Scheme 2023. Collection method: clinical testing. Allele origin: germline.

Eurofins Ntd Llc (ga)
Classification: Uncertain significance. Last evaluated: 2015-07-09. Review status: criteria provided, single submitter. Criteria: EGL Classification Definitions 2015. Collection method: clinical testing. Allele origin: germline. Observed: 1 variant allele, 1 heterozygote.

NM_000548.5(TSC2):c.3768G>A (p.Pro1256=)

Gene: TSC2 (TSC complex subunit 2; plus strand). Cytogenetic location: 16p13.3.
Variant type: single nucleotide variant.
Coding change: c.3768G>A on transcript NM_000548.5 (MANE Select); coding-DNA position 3768, G replaced by A.
Protein change: p.Pro1256=; no amino-acid change (proline 1256 retained).
Molecular consequence: synonymous variant.
Genome position (GRCh38, 1-based): chr16:2,081,752, G>A. VCF-style: chr16-2081752-G-A. GRCh37 (hg19) VCF-style: chr16-2131753-G-A.
Other names: c.3636G>A, p.Pro1212= (NM_001077183.3, NM_001370404.1); c.3768G>A, p.Pro1256= (NM_001114382.3); c.3528G>A, p.Pro1176= (NM_001318827.2); c.3492G>A, p.Pro1164= (NM_001318829.2); c.3036G>A, p.Pro1012= (NM_001318831.2); c.3669G>A, p.Pro1223= (NM_001318832.2); c.3639G>A, p.Pro1213= (NM_001363528.2, NM_001370405.1, NM_021055.3); c.3768G>A (NM_000548.4).
Identifiers: ClinVar variation 281623 (VCV000281623.61), dbSNP rs201599540, ClinGen allele CA048352.
Genomic context (GRCh38, chr16:2,081,752, plus strand): 5'-GGCGGCTGAGCGCTTCAAGGAGCACCGGGACACAGCCCTGTACAAGTCACTGTCGGTGCC[G>A]GCAGCCAGCACGGCCAAACCCCCTCCTCTGCCTCGCTCCAACACAGGTGAGTGGCATGGC-3'
Protein context (NP_000539.2, residues 1246-1266): DTALYKSLSV[Pro1256=]AASTAKPPPL